The following is an entry in ClinVar:

NM_000059.4(BRCA2):c.7199del (p.Gly2400fs)

Gene: BRCA2 (BRCA2 DNA repair associated; plus strand). Cytogenetic location: 13q13.1.
Variant type: Deletion.
Coding change: c.7199del on transcript NM_000059.4 (MANE Select); coding-DNA position 7199, one base deleted (G; older notation c.7199delG).
Protein change: p.Gly2400fs; shifts the reading frame from glycine 2400.
Molecular consequence: frameshift variant. On other transcripts: non-coding transcript variant (1).
Genome position (GRCh38, 1-based): chr13:32,355,052, G deleted; the last of 2 consecutive G bases (chr13:32,355,051-32,355,052); deleting either gives the same sequence. VCF-style (leftmost placement, unchanged base first): chr13-32355050-AG-A. GRCh37 (hg19) VCF-style: chr13-32929187-AG-A.
Other names: c.7103del, p.Gly2368fs (NM_001406719.1); c.7199del, p.Gly2400fs (NM_001406720.1, NM_001432077.1); c.2267del, p.Gly756fs (NM_001406721.1); c.782del, p.Gly261fs (NM_001406722.1); short protein forms G756fs, G2368fs, G2400fs, G261fs.
Identifiers: ClinVar variation 4215281 (VCV004215281.1).

ClinVar aggregate classification (germline): Pathogenic (1 of 4 stars; one submission).

Conditions:
Hereditary cancer-predisposing syndrome. Also called: Neoplastic Syndromes, Hereditary; Tumor predisposition; Hereditary Cancer Syndrome; Hereditary neoplastic syndrome. Identifiers: Orphanet 140162, MedGen C0027672, MeSH D009386, MONDO:0015356.

Submission:

Ambry Genetics
Classification: Pathogenic for Hereditary cancer-predisposing syndrome. Last evaluated: 2025-06-17. Review status: criteria provided, single submitter. Criteria: Ambry Variant Classification Scheme 2023. Collection method: clinical testing. Allele origin: germline.
Comment: The c.7199delG pathogenic mutation, located in coding exon 13 of the BRCA2 gene, results from a deletion of one nucleotide at nucleotide position 7199, causing a translational frameshift with a predicted alternate stop codon (p.G2400Afs*69). This variant is considered to be rare based on population cohorts in the Genome Aggregation Database (gnomAD). This alteration is expected to result in loss of function by premature protein truncation or nonsense-mediated mRNA decay. As such, this alteration is interpreted as a disease-causing mutation.